The following is an entry in ClinVar:

ClinVar aggregate classification (germline): Likely pathogenic. Review status: criteria provided, multiple submitters, no conflicts (2 of 4 stars). 10 submissions from 10 submitters: Likely pathogenic (10). Last evaluated 2025-12-30.

Conditions:
NBN-related disorder. Also called: NBN-related condition.
Hereditary cancer-predisposing syndrome. Also called: Tumor predisposition; Hereditary Cancer Syndrome; Neoplastic Syndromes, Hereditary; Hereditary neoplastic syndrome. Identifiers: Orphanet 140162, MedGen C0027672, MeSH D009386, MONDO:0015356.
Acute lymphoid leukemia (ALL). Also called: Acute lymphoblastic leukemia; Acute lymphocytic leukemia; Leukemia, acute lymphoblastic, somatic; Lymphoblastic leukemia. Identifiers: Orphanet 513, MedGen C0023449, MONDO:0004967, OMIM 613065, HP:0006721.
Microcephaly, normal intelligence and immunodeficiency (NBS). Also called: Nijmegen breakage syndrome; Microcephaly with normal intelligence immunodeficiency and lymphoreticular malignancies; Nonsyndromal microcephaly autosomal recessive with normal intelligence; Seemanova syndrome 2; BERLIN BREAKAGE SYNDROME; IMMUNODEFICIENCY, MICROCEPHALY, AND CHROMOSOMAL INSTABILITY. Identifiers: Orphanet 647, MedGen C0398791, MONDO:0009623, OMIM 251260.
Aplastic anemia. Identifiers: Orphanet 182040, Orphanet 88, MedGen C0002874, MONDO:0015909, OMIM 609135, HP:0001915.

Allele frequency attached by ClinVar (database versions not stated): gnomAD exomes below 0.00001; TOPMed 0.00002; gnomAD 0.00003.
gnomAD v4.1: 7 of 1,584,100 alleles (0.00044%); highest among the groups gnomAD compares: African/African-American, 0.0094%; no homozygotes.

Submissions (10):

Natera, Inc.
Classification: Likely pathogenic for Nijmegen breakage syndrome. Last evaluated: 2025-12-30. Review status: criteria provided, single submitter. Criteria: Natera Variant Classification Schema (03/2026). Collection method: clinical testing. Allele origin: germline.
Comment: The c.897-2A>T variant in NBN is a canonical splice acceptor site variant predicted to affect pre-mRNA splicing, which may result in an abnormal transcript and altered protein product. This variant is expected to result in nonsense mediated decay, truncation, or a dysfunctional protein product. This variant is rare in the general population with a frequency below the threshold expected for the associated phenotype(s). Given the available evidence, this variant is classified as Likely Pathogenic.

Women's Health and Genetics/Laboratory Corporation of America, LabCorp
Classification: Likely pathogenic for Microcephaly, normal intelligence and immunodeficiency. Last evaluated: 2025-09-04. Review status: criteria provided, single submitter. Criteria: LabCorp Variant Classification Summary - May 2015. Collection method: clinical testing. Allele origin: germline.
Comment: Variant summary: NBN c.897-2A>T is located in a canonical splice-site and is predicted to affect mRNA splicing resulting in a significantly altered protein due to either exon skipping, shortening, or inclusion of intronic material. Variants that disrupt the consensus splice site are a relatively common cause of aberrant splicing and loss of NBN function. Several computational tools predict a significant impact on normal splicing: Four predict the variant abolishes a canonical 3' acceptor site. Two predict the variant creates a cryptic 3' acceptor site. However, these predictions have yet to be confirmed by functional studies. The variant was absent in 250876 control chromosomes. c.897-2A>T has been reported in the literature in individuals affected with breast cancer (examples: Ahearn_2022, Palmer_2020). These report(s) do not provide unequivocal conclusions about association of the variant with Nijmegen Breakage Syndrome. To our knowledge, no experimental evidence demonstrating an impact on protein function has been reported. The following publications have been ascertained in the context of this evaluation (PMID: 29615459, 35654374, 32427313). ClinVar contains an entry for this variant (Variation ID: 219440). Based on the evidence outlined above, the variant was classified as likely pathogenic.

Fulgent Genetics
Classification: Likely pathogenic for Microcephaly, normal intelligence and immunodeficiency; Aplastic anemia; Acute lymphoid leukemia. Last evaluated: 2024-01-24. Review status: criteria provided, single submitter. Criteria: ACMG Guidelines, 2015. Collection method: clinical testing. Allele origin: germline.

Labcorp Genetics (formerly Invitae), Labcorp
Classification: Likely pathogenic for Microcephaly, normal intelligence and immunodeficiency. Last evaluated: 2023-12-09. Review status: criteria provided, single submitter. Criteria: Invitae Variant Classification Sherloc (09022015). Collection method: clinical testing. Allele origin: germline.
Comment: This sequence change affects an acceptor splice site in intron 7 of the NBN gene. RNA analysis indicates that disruption of this splice site induces altered splicing and may result in an absent or disrupted protein product. This variant is present in population databases (no rsID available, gnomAD 0.02%). Disruption of this splice site has been observed in individual(s) with breast cancer and/or ovarian cancer (PMID: 28888541, 32427313). ClinVar contains an entry for this variant (Variation ID: 219440). Studies have shown that disruption of this splice site results in activation of a cryptic splice site and introduces a premature termination codon (Invitae). The resulting mRNA is expected to undergo nonsense-mediated decay. In summary, the currently available evidence indicates that the variant is pathogenic, but additional data are needed to prove that conclusively. Therefore, this variant has been classified as Likely Pathogenic.

Baylor Genetics
Classification: Likely pathogenic for Aplastic anemia. Last evaluated: 2023-09-12. Review status: criteria provided, single submitter. Criteria: ACMG Guidelines, 2015. Collection method: clinical testing. Allele origin: unknown.

PreventionGenetics, part of Exact Sciences
Classification: Likely pathogenic for NBN-related condition. Last evaluated: 2023-09-05. Review status: criteria provided, single submitter. Criteria: ACMG Guidelines, 2015. Collection method: clinical testing. Allele origin: germline.
Comment: The NBN c.897-2A>T variant is predicted to disrupt the AG splice acceptor site and interfere with normal splicing. This variant has been reported in individuals with prostate, breast, or ovarian cancer as well as in a healthy control subjects (Supplementary Table 2, Matejcic et al 2020. PubMed ID: 32832836; Supplementary Table 3, Palmer et al 2020. PubMed ID: 32427313; Table S7, Lilyquist et al 2017. PubMed ID: 28888541). This variant is reported in 0.023% of alleles in individuals of African descent in gnomAD. Variants that disrupt the consensus splice acceptor site in NBN are expected to be pathogenic. This variant is interpreted as likely pathogenic.

Ambry Genetics
Classification: Likely pathogenic for Hereditary cancer-predisposing syndrome. Last evaluated: 2023-07-24. Review status: criteria provided, single submitter. Criteria: Ambry Variant Classification Scheme 2023. Collection method: clinical testing. Allele origin: germline.
Comment: The c.897-2A>T intronic variant results from an A to T substitution two nucleotides upstream from coding exon 8 in the NBN gene. In one study, this variant was detected in 2/5054 African American women with breast cancer and in 1/4994 unaffected African American women (Palmer JR et al. J Natl Cancer Inst, 2020 12;112:1213-1221). This variant was also identified in a cohort of 3579 African males diagnosed with prostate cancer who underwent multi-gene panel testing of 19 DNA repair and cancer predisposition genes (Matejcic M et al. JCO Precis Oncol, 2020 Jan;4:32-43). This nucleotide position is highly conserved in available vertebrate species. In silico splice site analysis predicts that this alteration will weaken the native splice acceptor site and will result in the creation or strengthening of a novel splice acceptor site. RNA studies have demonstrated that this alteration results in abnormal splicing in the set of samples tested (Ambry internal data). Alterations that disrupt the canonical splice site are expected to cause aberrant splicing, resulting in an abnormal protein or a transcript that is subject to nonsense-mediated mRNA decay. As such, this alteration is classified as likely pathogenic.

GeneDx
Classification: Likely pathogenic. Last evaluated: 2021-11-18. Review status: criteria provided, single submitter. Criteria: GeneDx Variant Classification Process June 2021. Collection method: clinical testing. Allele origin: germline. Affected: yes.
Comment: Canonical splice site variant predicted to result in a null allele in a gene for which loss-of-function is a known mechanism of disease; This variant is associated with the following publications: (PMID: 27533158, 16415040, 9590180, 32427313, 32832836)

Revvity Omics, Revvity
Classification: Likely pathogenic. Last evaluated: 2019-04-26. Review status: criteria provided, single submitter. Criteria: ACMG Guidelines, 2015. Collection method: clinical testing. Allele origin: germline.

Center for Genomics, Ann and Robert H. Lurie Children's Hospital of Chicago
Classification: Likely pathogenic for Aplastic anemia; Acute lymphoid leukemia; Microcephaly, normal intelligence and immunodeficiency. Review status: criteria provided, single submitter. Criteria: ACMG Guidelines, 2015. Collection method: clinical testing. Allele origin: germline.
Comment: NBN NM_002485.4 intron 7 c.897-2A>T: This variant has been reported in the literature in at least 3 individuals with either breast or prostate cancer (Matejcic 2020 PMID:32832836, Palmer 2020 PMID:32427313). This variant is present in 0.01% (4/41454) of African alleles in the Genome Aggregation Database. This variant is present in ClinVar, with several labs classifying this variant as Likely Pathogenic (Variation ID:219440). Evolutionary conservation and computational predictive tools for this variant are limited or unavailable. Of note, this variant alters the consensus splice sequence (+/- 1,2) which is predicted to result in an absent or abnormal protein. Loss of function variants are a known mechanism of disease for this gene (Varon 1998 PMID:9590180). In summary, data on this variant is highly suspicious for disease, but requires further evidence for pathogenicity. Therefore, this variant is classified as likely pathogenic.

Literature cited by the submitters: PubMed 29615459 (cited by Women's Health and Genetics/Laboratory Corporation of America, LabCorp); PubMed 32427313 (cited by 3 submitters); PubMed 35654374 (cited by Women's Health and Genetics/Laboratory Corporation of America, LabCorp); PubMed 28888541 (cited by Labcorp Genetics (formerly Invitae), Labcorp); PubMed 32832836 (cited by Ambry Genetics).

NM_002485.5(NBN):c.897-2A>T

Gene: NBN (nibrin; minus strand). Cytogenetic location: 8q21.3.
Variant type: single nucleotide variant.
Coding change: c.897-2A>T on transcript NM_002485.5 (MANE Select); the canonical splice acceptor site of the intron before coding-DNA position 897, A replaced by T.
Molecular consequence: splice acceptor variant.
Genome position (GRCh38, 1-based): chr8:89,964,509, T>A on the plus strand (A>T on the coding strand, the complement: NBN is on the minus strand). VCF-style: chr8-89964509-T-A. GRCh37 (hg19) VCF-style: chr8-90976737-T-A.
Other names: c.651-2A>T (NM_001024688.3).
Identifiers: ClinVar variation 219440 (VCV000219440.40), dbSNP rs864622090, ClinGen allele CA348947.